The following is an entry in ClinVar:

NM_001276345.2(TNNT2):c.98-4C>G

Gene: TNNT2 (troponin T2, cardiac type; minus strand). Cytogenetic location: 1q32.1.
Variant type: single nucleotide variant.
Coding change: c.98-4C>G on transcript NM_001276345.2 (MANE Select); 4 bases into the intron before coding-DNA position 98, C replaced by G.
Molecular consequence: intron variant.
Genome position (GRCh38, 1-based): chr1:201,368,231, G>C on the plus strand (C>G on the coding strand, the complement: TNNT2 is on the minus strand). VCF-style: chr1-201368231-G-C. GRCh37 (hg19) VCF-style: chr1-201337359-G-C.
Other names: c.53-4C>G (NM_001001432.3); c.68-4C>G (NM_001001431.3, NM_001001430.3, NM_001276347.2); c.98-4C>G (NM_001276346.2, NM_000364.4).
Identifiers: ClinVar variation 626615 (VCV000626615.8), dbSNP rs775895925, ClinGen allele CA913189771.

ClinVar aggregate classification (germline): Conflicting classifications of pathogenicity. Review status: criteria provided, conflicting classifications (1 of 4 stars). 3 submissions from 3 submitters: Uncertain significance (2); Likely benign (1). Last evaluated 2024-07-30.

Conditions:
Hypertrophic cardiomyopathy 2. Also called: TNNT2-Related Familial Hypertrophic Cardiomyopathy. Identifiers: MedGen C1861864, MONDO:0007266, OMIM 115195.
Cardiomyopathy, familial restrictive, 3. Identifiers: Orphanet 75249, MedGen C2676271, MONDO:0012900, OMIM 612422.
Dilated cardiomyopathy 1D. Identifiers: Orphanet 154, Orphanet 54260, MedGen C1832243, MONDO:0011095, OMIM 601494.
Cardiomyopathy (CMYO). Also called: Cardiomyopathies. Identifiers: Orphanet 167848, MedGen C0878544, MONDO:0004994, HP:0001638. Inheritance: Various modes of inheritance.

gnomAD v4.1: 2 of 1,614,020 alleles (0.00012%); highest among the groups gnomAD compares: Non-Finnish European, 0.00017%; no homozygotes.

Submissions (3):

Labcorp Genetics (formerly Invitae), Labcorp
Classification: Likely benign for Cardiomyopathy, familial restrictive, 3; Hypertrophic cardiomyopathy 2; Dilated cardiomyopathy 1D. Last evaluated: 2024-07-30. Review status: criteria provided, single submitter. Criteria: Invitae Variant Classification Sherloc (09022015). Collection method: clinical testing. Allele origin: germline.

Color Diagnostics, LLC DBA Color Health
Classification: Uncertain significance for Cardiomyopathy. Last evaluated: 2021-10-25. Review status: criteria provided, single submitter. Criteria: ACMG Guidelines, 2015. Collection method: clinical testing. Allele origin: germline.
Comment: This variant causes a C to G nucleotide substitution at the -4 position of intron 4 of the TNNT2 gene. Splice prediction tools and conservation analysis are inconclusive regarding the impact of this variant on RNA splicing. To our knowledge, functional studies have not been reported for this variant. This variant has not been reported in individuals affected with cardiovascular disorders in the literature. This variant has not been identified in the general population by the Genome Aggregation Database (gnomAD). The available evidence is insufficient to determine the role of this variant in disease conclusively. Therefore, this variant is classified as a Variant of Uncertain Significance.

CHEO Genetics Diagnostic Laboratory, Children's Hospital of Eastern Ontario
Classification: Uncertain significance for Cardiomyopathy. Last evaluated: 2015-12-18. Review status: criteria provided, single submitter. Criteria: ACMG Guidelines, 2015. Collection method: clinical testing. Allele origin: germline. Study: Canadian Open Genetics Repository.